The following is an entry in ClinVar:

ClinVar aggregate classification (germline): Uncertain significance (1 of 4 stars; one submission).

Conditions:
Primary immunodeficiency with post-measles-mumps-rubella vaccine viral infection. Also called: Immunodeficiency 44. Identifiers: Orphanet 431166, MedGen C4225260, MONDO:0014715, OMIM 616636.

Submission:

Labcorp Genetics (formerly Invitae), Labcorp
Classification: Uncertain significance for Primary immunodeficiency with post-measles-mumps-rubella vaccine viral infection. Last evaluated: 2022-06-18. Review status: criteria provided, single submitter. Criteria: Invitae Variant Classification Sherloc (09022015). Collection method: clinical testing. Allele origin: germline.
Comment: In summary, the available evidence is currently insufficient to determine the role of this variant in disease. Therefore, it has been classified as a Variant of Uncertain Significance. Advanced modeling of protein sequence and biophysical properties (such as structural, functional, and spatial information, amino acid conservation, physicochemical variation, residue mobility, and thermodynamic stability) performed at Invitae indicates that this missense variant is not expected to disrupt STAT2 protein function. This variant has not been reported in the literature in individuals affected with STAT2-related conditions. This variant is not present in population databases (gnomAD no frequency). This sequence change replaces proline, which is neutral and non-polar, with glutamine, which is neutral and polar, at codon 731 of the STAT2 protein (p.Pro731Gln).

NM_005419.4(STAT2):c.2192C>A (p.Pro731Gln)

Gene: STAT2 (signal transducer and activator of transcription 2; minus strand). Cytogenetic location: 12q13.3.
Variant type: single nucleotide variant.
Coding change: c.2192C>A on transcript NM_005419.4 (MANE Select); coding-DNA position 2192, C replaced by A.
Protein change: p.Pro731Gln; replaces proline 731 with glutamine.
Molecular consequence: missense variant.
Genome position (GRCh38, 1-based): chr12:56,344,046, G>T on the plus strand (C>A on the coding strand, the complement: STAT2 is on the minus strand). VCF-style: chr12-56344046-G-T. GRCh37 (hg19) VCF-style: chr12-56737830-G-T.
Other names: c.2159C>A, p.Pro720Gln (NM_001385110.1); c.2093C>A, p.Pro698Gln (NM_001385111.1); c.2192C>A, p.Pro731Gln (NM_001385113.1); c.2171C>A, p.Pro724Gln (NM_001385114.1); c.2150C>A, p.Pro717Gln (NM_001385115.1); c.2180C>A, p.Pro727Gln (NM_198332.2); short protein forms P698Q, P717Q, P724Q, P727Q, P720Q, P731Q.
Identifiers: ClinVar variation 1978257 (VCV001978257.4), dbSNP rs2547239970, ClinGen allele CA385259148.